The following is an entry in ClinVar:

NM_000135.4(FANCA):c.1588C>G (p.Leu530Val)

Gene: FANCA (FA complementation group A; minus strand). Cytogenetic location: 16q24.3.
Variant type: single nucleotide variant.
Coding change: c.1588C>G on transcript NM_000135.4 (MANE Select); coding-DNA position 1588, C replaced by G.
Protein change: p.Leu530Val; replaces leucine 530 with valine.
Molecular consequence: missense variant.
Genome position (GRCh38, 1-based): chr16:89,782,897, G>C on the plus strand (C>G on the coding strand, the complement: FANCA is on the minus strand). VCF-style: chr16-89782897-G-C. GRCh37 (hg19) VCF-style: chr16-89849305-G-C.
Other names: c.1588C>G, p.Leu530Val (NM_001286167.3); c.1588C>G (NM_000135.2); short protein forms L530V.
Identifiers: ClinVar variation 1410341 (VCV001410341.6), dbSNP rs1567628801, ClinGen allele CA397457991.

ClinVar aggregate classification (germline): Uncertain significance. Review status: criteria provided, multiple submitters, no conflicts (2 of 4 stars). 2 submissions from 2 submitters: Uncertain significance (2). Last evaluated 2026-02-16.

Conditions:
Inborn genetic diseases. Identifiers: MedGen C0950123, MeSH D030342.
Fanconi anemia (FA). Also called: Fanconi's anemia. Identifiers: Orphanet 84, MedGen C0015625, MeSH D005199, MONDO:0019391.

Allele frequency attached by ClinVar (database versions not stated): gnomAD exomes below 0.00001; TOPMed below 0.00001.
gnomAD v4.1: 3 of 1,614,094 alleles (0.00019%); highest among the groups gnomAD compares: Non-Finnish European, 0.00017%; no homozygotes.

Submissions (2):

Ambry Genetics
Classification: Uncertain significance for Inborn genetic diseases. Last evaluated: 2026-02-16. Review status: criteria provided, single submitter. Criteria: Ambry Variant Classification Scheme 2023. Collection method: clinical testing. Allele origin: germline.
Comment: The p.L530V variant (also known as c.1588C>G), located in coding exon 17 of the FANCA gene, results from a C to G substitution at nucleotide position 1588. The leucine at codon 530 is replaced by valine, an amino acid with highly similar properties. This amino acid position is conserved. In addition, the in silico prediction for this alteration is inconclusive. Based on the available evidence, the clinical significance of this variant remains unclear.

Labcorp Genetics (formerly Invitae), Labcorp
Classification: Uncertain significance for Fanconi anemia. Last evaluated: 2021-09-01. Review status: criteria provided, single submitter. Criteria: Invitae Variant Classification Sherloc (09022015). Collection method: clinical testing. Allele origin: germline.
Comment: This sequence change replaces leucine with valine at codon 530 of the FANCA protein (p.Leu530Val). The leucine residue is highly conserved and there is a small physicochemical difference between leucine and valine. This variant is not present in population databases (ExAC no frequency). This variant has not been reported in the literature in individuals affected with FANCA-related conditions. Algorithms developed to predict the effect of missense changes on protein structure and function (SIFT, PolyPhen-2, Align-GVGD) all suggest that this variant is likely to be tolerated. In summary, the available evidence is currently insufficient to determine the role of this variant in disease. Therefore, it has been classified as a Variant of Uncertain Significance.